The following is an entry in ClinVar:

NM_001184.4(ATR):c.2197T>C (p.Ser733Pro)

Gene: ATR (ATR checkpoint kinase; minus strand). Cytogenetic location: 3q23.
Variant type: single nucleotide variant.
Coding change: c.2197T>C on transcript NM_001184.4 (MANE Select); coding-DNA position 2197, T replaced by C.
Protein change: p.Ser733Pro; replaces serine 733 with proline.
Molecular consequence: missense variant.
Genome position (GRCh38, 1-based): chr3:142,556,021, A>G on the plus strand (T>C on the coding strand, the complement: ATR is on the minus strand). VCF-style: chr3-142556021-A-G. GRCh37 (hg19) VCF-style: chr3-142274863-A-G.
Other names: c.2005T>C, p.Ser669Pro (NM_001354579.2); short protein forms S733P, S669P.
Identifiers: ClinVar variation 2587583 (VCV002587583.2), dbSNP rs2108471155, ClinGen allele CA354818787.

ClinVar aggregate classification (germline): Uncertain significance (1 of 4 stars; one submission).

Conditions:
Inborn genetic diseases. Identifiers: MedGen C0950123, MeSH D030342.

Allele frequency attached by ClinVar (database versions not stated): gnomAD exomes below 0.00001.
gnomAD v4.1: 1 of 1,614,162 alleles (0.000062%); highest among the groups gnomAD compares: Non-Finnish European, 0.000085%; no homozygotes.

Submission:

Ambry Genetics
Classification: Uncertain significance for Inborn genetic diseases. Last evaluated: 2023-08-07. Review status: criteria provided, single submitter. Criteria: Ambry Variant Classification Scheme 2023. Collection method: clinical testing. Allele origin: germline.
Comment: The p.S733P variant (also known as c.2197T>C), located in coding exon 10 of the ATR gene, results from a T to C substitution at nucleotide position 2197. The serine at codon 733 is replaced by proline, an amino acid with similar properties. This amino acid position is conserved. In addition, this alteration is predicted to be tolerated by in silico analysis. Since supporting evidence is limited at this time, the clinical significance of this alteration remains unclear.